The following is an entry in ClinVar:

ClinVar aggregate classification (germline): Uncertain significance (1 of 4 stars; one submission).

Conditions:
Usher syndrome type 3B. Also called: USHER SYNDROME, TYPE IIIB. Identifiers: MedGen C3281066, MONDO:0013788, OMIM 614504.

Allele frequency attached by ClinVar (database versions not stated): gnomAD exomes below 0.00001; ExAC 0.00001.
gnomAD v4.1: 7 of 1,610,912 alleles (0.00043%); highest among the groups gnomAD compares: African/African-American, 0.0013%; no homozygotes.

Submission:

Labcorp Genetics (formerly Invitae), Labcorp
Classification: Uncertain significance for Usher syndrome type 3B. Last evaluated: 2023-10-22. Review status: criteria provided, single submitter. Criteria: Invitae Variant Classification Sherloc (09022015). Collection method: clinical testing. Allele origin: germline.
Comment: This sequence change creates a premature translational stop signal (p.Ser201*) in the HARS gene. It is expected to result in an absent or disrupted protein product. However, the current clinical and genetic evidence is not sufficient to establish whether loss-of-function variants in HARS cause disease. This variant is present in population databases (rs780654800, gnomAD 0.0009%). This variant has not been reported in the literature in individuals affected with HARS-related conditions. ClinVar contains an entry for this variant (Variation ID: 632455). In summary, the available evidence is currently insufficient to determine the role of this variant in disease. Therefore, it has been classified as a Variant of Uncertain Significance.

NM_002109.6(HARS1):c.602C>G (p.Ser201Ter)

Gene: HARS1 (histidyl-tRNA synthetase 1; minus strand). Cytogenetic location: 5q31.3.
Variant type: single nucleotide variant.
Coding change: c.602C>G on transcript NM_002109.6 (MANE Select); coding-DNA position 602, C replaced by G.
Protein change: p.Ser201Ter; replaces serine 201 with a stop codon.
Molecular consequence: nonsense.
Genome position (GRCh38, 1-based): chr5:140,677,936, G>C on the plus strand (C>G on the coding strand, the complement: HARS1 is on the minus strand). VCF-style: chr5-140677936-G-C. GRCh37 (hg19) VCF-style: chr5-140057521-G-C.
Other names: c.482C>G, p.Ser161Ter (NM_001258040.3); c.542C>G, p.Ser181Ter (NM_001258041.3); c.422C>G, p.Ser141Ter (NM_001258042.3); c.380C>G, p.Ser127Ter (NM_001289092.2); c.260C>G, p.Ser87Ter (NM_001289093.2); c.515C>G, p.Ser172Ter (NM_001289094.2); short protein forms S201*, S87*, S127*, S172*, S161*, S181*, S141*.
Identifiers: ClinVar variation 632455 (VCV000632455.6), dbSNP rs780654800, ClinGen allele CA3444061.
Genomic context (GRCh38, chr5:140,677,936, plus strand): 5'-AACTTTGCCCTCCCAGCCTTGTCAGCTCTGACCTTGACCAGGAAGTCGCCTATCTGAAGT[G>C]AACTCAGGATCTCGCACATGATCTTCAGGCACTCTGCATCAGGGATCATGGGATCAAAGT-3'